The following is an entry in ClinVar:

ClinVar aggregate classification (germline): Uncertain significance (1 of 4 stars; one submission).

Conditions:
Familial cold autoinflammatory syndrome 2 (FCAS2). Identifiers: Orphanet 247868, MedGen C2673198, MONDO:0012724, OMIM 611762.

Submission:

Labcorp Genetics (formerly Invitae), Labcorp
Classification: Uncertain significance for Familial cold autoinflammatory syndrome 2. Last evaluated: 2024-04-15. Review status: criteria provided, single submitter. Criteria: Invitae Variant Classification Sherloc (09022015). Collection method: clinical testing. Allele origin: germline.
Comment: This sequence change replaces threonine, which is neutral and polar, with serine, which is neutral and polar, at codon 879 of the NLRP12 protein (p.Thr879Ser). This variant is not present in population databases (gnomAD no frequency). This variant has not been reported in the literature in individuals affected with NLRP12-related conditions. An algorithm developed to predict the effect of missense changes on protein structure and function (PolyPhen-2) suggests that this variant is likely to be tolerated. In summary, the available evidence is currently insufficient to determine the role of this variant in disease. Therefore, it has been classified as a Variant of Uncertain Significance.

NM_144687.4(NLRP12):c.2636C>G (p.Thr879Ser)

Gene: NLRP12 (NLR family pyrin domain containing 12; minus strand). Cytogenetic location: 19q13.42.
Variant type: single nucleotide variant.
Coding change: c.2636C>G on transcript NM_144687.4 (MANE Select); coding-DNA position 2636, C replaced by G.
Protein change: p.Thr879Ser; replaces threonine 879 with serine.
Molecular consequence: missense variant.
Genome position (GRCh38, 1-based): chr19:53,801,347, G>C on the plus strand (C>G on the coding strand, the complement: NLRP12 is on the minus strand). VCF-style: chr19-53801347-G-C. GRCh37 (hg19) VCF-style: chr19-54304601-G-C.
Other names: c.2639C>G, p.Thr880Ser (NM_001277126.2); c.2636C>G, p.Thr879Ser (NM_001277129.1); short protein forms T880S, T879S.
Identifiers: ClinVar variation 3702211 (VCV003702211.2).